The following is an entry in ClinVar:

ClinVar aggregate classification (germline): Uncertain significance (1 of 4 stars; one submission).

Conditions:
Chédiak-Higashi syndrome (CHS). Also called: Chediak-Higashi Syndrome. Identifiers: Orphanet 167, MedGen C0007965, MONDO:0008963, OMIM 214500.

Allele frequency attached by ClinVar (database versions not stated): gnomAD exomes 0.00001.
gnomAD v4.1: 3 of 1,608,262 alleles (0.00019%); highest among the groups gnomAD compares: Non-Finnish European, 0.00017%; no homozygotes.

Submission:

Labcorp Genetics (formerly Invitae), Labcorp
Classification: Uncertain significance for Chédiak-Higashi syndrome. Last evaluated: 2020-07-23. Review status: criteria provided, single submitter. Criteria: Invitae Variant Classification Sherloc (09022015). Collection method: clinical testing. Allele origin: germline.
Comment: This variant is not present in population databases (ExAC no frequency). This sequence change replaces glycine with valine at codon 1378 of the LYST protein (p.Gly1378Val). The glycine residue is moderately conserved and there is a moderate physicochemical difference between glycine and valine. This variant has not been reported in the literature in individuals with LYST-related conditions. Algorithms developed to predict the effect of missense changes on protein structure and function are either unavailable or do not agree on the potential impact of this missense change (SIFT: "Deleterious"; PolyPhen-2: "Probably Damaging"; Align-GVGD: "Class C0"). In summary, the available evidence is currently insufficient to determine the role of this variant in disease. Therefore, it has been classified as a Variant of Uncertain Significance.

NM_000081.4(LYST):c.4133G>T (p.Gly1378Val)

Gene: LYST (lysosomal trafficking regulator; minus strand). Cytogenetic location: 1q42.3.
Variant type: single nucleotide variant.
Coding change: c.4133G>T on transcript NM_000081.4 (MANE Select); coding-DNA position 4133, G replaced by T.
Protein change: p.Gly1378Val; replaces glycine 1378 with valine.
Molecular consequence: missense variant.
Genome position (GRCh38, 1-based): chr1:235,792,109, C>A on the plus strand (G>T on the coding strand, the complement: LYST is on the minus strand). VCF-style: chr1-235792109-C-A. GRCh37 (hg19) VCF-style: chr1-235955409-C-A.
Other names: c.4133G>T, p.Gly1378Val (NM_001301365.1); short protein forms G1378V.
Identifiers: ClinVar variation 1008398 (VCV001008398.8), dbSNP rs1179272718, ClinGen allele CA344960561.
Genomic context (GRCh38, chr1:235,792,109, plus strand): 5'-GGGAAGGTTAGATACTGTGAAGGGCTCATAGTAGTATCACTTTCAATAATTTTCAGAATA[C>A]CCAGAAGAAGAATTTTCTAGAGAAAAAGAAAAACAAATGAAACTTTCTAATCACGTAATA-3'
Protein context (NP_000072.2, residues 1368-1388): KSPCTKILLL[Gly1378Val]ILKIIESDTT